The following is an entry in ClinVar:

NM_000038.6(APC):c.7901C>A (p.Ala2634Asp)

Gene: APC (APC regulator of Wnt signaling pathway; plus strand). Cytogenetic location: 5q22.2.
Variant type: single nucleotide variant.
Coding change: c.7901C>A on transcript NM_000038.6 (MANE Select); coding-DNA position 7901, C replaced by A.
Protein change: p.Ala2634Asp; replaces alanine 2634 with aspartic acid.
Molecular consequence: missense variant.
Genome position (GRCh38, 1-based): chr5:112,843,495, C>A. VCF-style: chr5-112843495-C-A. GRCh37 (hg19) VCF-style: chr5-112179192-C-A.
Other names: c.7901C>A, p.Ala2634Asp (NM_001127510.3, NM_001354895.2); c.7847C>A, p.Ala2616Asp (NM_001127511.3); c.7955C>A, p.Ala2652Asp (NM_001354896.2); c.7931C>A, p.Ala2644Asp (NM_001354897.2); c.7826C>A, p.Ala2609Asp (NM_001354898.2); c.7817C>A, p.Ala2606Asp (NM_001354899.2); c.7778C>A, p.Ala2593Asp (NM_001354900.2); c.7724C>A, p.Ala2575Asp (NM_001354901.2); and 5 more; short protein forms A2508D, A2543D, A2575D, A2593D, A2609D, A2634D, A2351D, A2474D.
Identifiers: ClinVar variation 827321 (VCV000827321.11), dbSNP rs1245135729, ClinGen allele CA16038492.

ClinVar aggregate classification (germline): Uncertain significance. Review status: criteria provided, multiple submitters, no conflicts (2 of 4 stars). 2 submissions from 2 submitters: Uncertain significance (2). Last evaluated 2025-12-11.

Conditions:
Hereditary cancer-predisposing syndrome. Also called: Neoplastic Syndromes, Hereditary; Tumor predisposition; Hereditary neoplastic syndrome; Hereditary Cancer Syndrome. Identifiers: Orphanet 140162, MedGen C0027672, MeSH D009386, MONDO:0015356.
Familial adenomatous polyposis 1 (FAP1). Also called: POLYPOSIS, ADENOMATOUS INTESTINAL; FAMILIAL ADENOMATOUS POLYPOSIS 1, ATTENUATED. Identifiers: MedGen C2713442, MONDO:0021056, OMIM 175100. Disease mechanism: loss of function.

Submissions (2):

Ambry Genetics
Classification: Uncertain significance for Hereditary cancer-predisposing syndrome. Last evaluated: 2025-12-11. Review status: criteria provided, single submitter. Criteria: Ambry Variant Classification Scheme 2023. Collection method: clinical testing. Allele origin: germline.
Comment: The p.A2634D variant (also known as c.7901C>A), located in coding exon 15 of the APC gene, results from a C to A substitution at nucleotide position 7901. The alanine at codon 2634 is replaced by aspartic acid, an amino acid with dissimilar properties. This amino acid position is well conserved in available vertebrate species. In addition, in silico predictors for this gene do not accurately predict pathogenicity. Missense variants in APC are not a common cause of disease (Spier I et al. Genet Med. 2024 Feb;26(2):100992). Based on the available evidence, the clinical significance of this variant remains unclear.

Labcorp Genetics (formerly Invitae), Labcorp
Classification: Uncertain significance for Familial adenomatous polyposis 1. Last evaluated: 2025-04-23. Review status: criteria provided, single submitter. Criteria: Invitae Variant Classification Sherloc (09022015). Collection method: clinical testing. Allele origin: germline.
Comment: This sequence change replaces alanine, which is neutral and non-polar, with aspartic acid, which is acidic and polar, at codon 2634 of the APC protein (p.Ala2634Asp). This variant is not present in population databases (gnomAD no frequency). This variant has not been reported in the literature in individuals affected with APC-related conditions. ClinVar contains an entry for this variant (Variation ID: 827321). Invitae Evidence Modeling of protein sequence and biophysical properties (such as structural, functional, and spatial information, amino acid conservation, physicochemical variation, residue mobility, and thermodynamic stability) indicates that this missense variant is not expected to disrupt APC protein function with a negative predictive value of 95%. In summary, the available evidence is currently insufficient to determine the role of this variant in disease. Therefore, it has been classified as a Variant of Uncertain Significance.